The following is an entry in ClinVar:

NC_000006.11:g.(?_397088)_(407598_?)del

Gene: IRF4 (interferon regulatory factor 4; plus strand). Cytogenetic location: 6p25.3.
Variant type: Deletion.
Identifiers: ClinVar variation 3246163 (VCV003246163.1).

ClinVar aggregate classification (germline): Uncertain significance (1 of 4 stars; one submission).

Submission:

Labcorp Genetics (formerly Invitae), Labcorp
Classification: Uncertain significance. Last evaluated: 2023-10-15. Review status: criteria provided, single submitter. Criteria: Invitae Variant Classification Sherloc (09022015). Collection method: clinical testing. Allele origin: unknown.
Comment: This variant is a gross deletion of the genomic region encompassing exon(s) 5-9 of the IRF4 gene, which includes the termination codon. This deletion extends beyond the assayed region for this gene and therefore may encompass additional genes. While this deletion is not anticipated to lead to nonsense mediated decay, it is expected to alter mRNA translation or result in a truncated protein product. This variant has not been reported in the literature in individuals affected with IRF4-related conditions. Experimental studies and prediction algorithms are not available or were not evaluated, and the functional significance of this variant is currently unknown. In summary, the available evidence is currently insufficient to determine the role of this variant in disease. Therefore, it has been classified as a Variant of Uncertain Significance.